The following is an entry in ClinVar:

ClinVar aggregate classification (germline): Uncertain significance (1 of 4 stars; one submission).

Allele frequency attached by ClinVar (database versions not stated): TOPMed below 0.00001; gnomAD 0.00001.
gnomAD v4.1: 1 of 1,613,224 alleles (0.000062%); highest among the groups gnomAD compares: African/African-American, 0.0013%; no homozygotes.

Submission:

Labcorp Genetics (formerly Invitae), Labcorp
Classification: Uncertain significance. Last evaluated: 2023-03-08. Review status: criteria provided, single submitter. Criteria: Invitae Variant Classification Sherloc (09022015). Collection method: clinical testing. Allele origin: germline.
Comment: In summary, the available evidence is currently insufficient to determine the role of this variant in disease. Therefore, it has been classified as a Variant of Uncertain Significance. Advanced modeling of protein sequence and biophysical properties (such as structural, functional, and spatial information, amino acid conservation, physicochemical variation, residue mobility, and thermodynamic stability) has been performed at Invitae for this missense variant, however the output from this modeling did not meet the statistical confidence thresholds required to predict the impact of this variant on KMT2A protein function. This variant has not been reported in the literature in individuals affected with KMT2A-related conditions. This variant is not present in population databases (gnomAD no frequency). This sequence change replaces arginine, which is basic and polar, with lysine, which is basic and polar, at codon 450 of the KMT2A protein (p.Arg450Lys).

NM_001197104.2(KMT2A):c.1349G>A (p.Arg450Lys)

Gene: KMT2A (lysine methyltransferase 2A; plus strand). Cytogenetic location: 11q23.3.
Variant type: single nucleotide variant.
Coding change: c.1349G>A on transcript NM_001197104.2 (MANE Select); coding-DNA position 1349, G replaced by A.
Protein change: p.Arg450Lys; replaces arginine 450 with lysine.
Molecular consequence: missense variant.
Genome position (GRCh38, 1-based): chr11:118,472,508, G>A. VCF-style: chr11-118472508-G-A. GRCh37 (hg19) VCF-style: chr11-118343223-G-A.
Other names: c.1448G>A, p.Arg483Lys (NM_001412597.1); c.1349G>A, p.Arg450Lys (NM_005933.4); short protein forms R483K, R450K.
Identifiers: ClinVar variation 2844209 (VCV002844209.3), dbSNP rs1949960322, ClinGen allele CA382809919.